The following is an entry in ClinVar:

NM_032656.4(DHX37):c.2367A>C (p.Ala789=)

Gene: DHX37 (DEAH-box helicase 37; minus strand). Cytogenetic location: 12q24.31.
Variant type: single nucleotide variant.
Coding change: c.2367A>C on transcript NM_032656.4 (MANE Select); coding-DNA position 2367, A replaced by C.
Protein change: p.Ala789=; no amino-acid change (alanine 789 retained).
Molecular consequence: synonymous variant.
Genome position (GRCh38, 1-based): chr12:124,956,777, T>G on the plus strand (A>C on the coding strand, the complement: DHX37 is on the minus strand). VCF-style: chr12-124956777-T-G. GRCh37 (hg19) VCF-style: chr12-125441323-T-G.
Identifiers: ClinVar variation 784265 (VCV000784265.12), dbSNP rs115567271, ClinGen allele CA6871661.

ClinVar aggregate classification (germline): Benign. Review status: criteria provided, multiple submitters, no conflicts (2 of 4 stars). 3 submissions from 3 submitters: Benign (2). 1 of the submissions does not count toward it. Last evaluated 2026-01-27.

Conditions:
DHX37-related disorder. Also called: DHX37-related condition; DHX37-Related Disorders.

Allele frequency attached by ClinVar (database versions not stated): gnomAD exomes 0.00282 and 0.00648; ExAC 0.00805; gnomAD 0.02505 and 0.02703; 1000 Genomes Project 0.02776; TOPMed 0.02838; 1000 Genomes Project 30x 0.02920; ESP Exome Variant Server 0.02945.
gnomAD v4.1: 8,123 of 1,611,852 alleles (0.5%); highest among the groups gnomAD compares: African/African-American, 8.9%; 332 homozygotes.

Submissions (3):

Labcorp Genetics (formerly Invitae), Labcorp
Classification: Benign. Last evaluated: 2026-01-27. Review status: criteria provided, single submitter. Criteria: Invitae Variant Classification Sherloc (09022015). Collection method: clinical testing. Allele origin: germline.

Breakthrough Genomics
Classification: Benign. Review status: criteria provided, single submitter. Criteria: ACMG Guidelines, 2015. Collection method: not provided. Allele origin: germline. Inheritance: Autosomal recessive inheritance. Affected: yes.

PreventionGenetics, part of Exact Sciences
Classification: Benign for DHX37-related condition. Last evaluated: 2020-01-06. Review status: no assertion criteria provided. Collection method: clinical testing. Allele origin: germline. Not counted in ClinVar's aggregate classification.
Comment: This variant is classified as benign based on ACMG/AMP sequence variant interpretation guidelines (Richards et al. 2015 PMID: 25741868, with internal and published modifications).